The following is an entry in ClinVar:

NM_203446.3(SYNJ1):c.2143A>C (p.Met715Leu)

Gene: SYNJ1 (synaptojanin 1; minus strand). Cytogenetic location: 21q22.11.
Variant type: single nucleotide variant.
Coding change: c.2143A>C on transcript NM_203446.3 (MANE Select); coding-DNA position 2143, A replaced by C.
Protein change: p.Met715Leu; replaces methionine 715 with leucine.
Molecular consequence: missense variant.
Genome position (GRCh38, 1-based): chr21:32,665,945, T>G on the plus strand (A>C on the coding strand, the complement: SYNJ1 is on the minus strand). VCF-style: chr21-32665945-T-G. GRCh37 (hg19) VCF-style: chr21-34038255-T-G.
Other names: c.2143A>C, p.Met715Leu (NM_001160302.2); c.2128A>C, p.Met710Leu (NM_001160306.2); c.2260A>C, p.Met754Leu (NM_003895.4); short protein forms M715L, M710L, M754L.
Identifiers: ClinVar variation 1495600 (VCV001495600.8), dbSNP rs540251156, ClinGen allele CA410078978.
Genomic context (GRCh38, chr21:32,665,945, plus strand): 5'-GGGCAAATTAAAATATATTTCAAAGCTTTATCTTCAAGAACAAGCAGCAAGAGCTTACCA[T>G]AGGAAAACTCAATTTTCGTGCTATTTCTATAAAATCTTCATTTCTTTCTTTGACTTGTGA-3'
Protein context (NP_982271.3, residues 705-725): IEIARKLSFP[Met715Leu]GRMLFSHDYV

ClinVar aggregate classification (germline): Uncertain significance (1 of 4 stars; one submission).

Conditions:
Developmental and epileptic encephalopathy, 53. Also called: Epileptic encephalopathy, early infantile, 53. Identifiers: MedGen C4479313, MONDO:0033362, OMIM 617389.
Early-onset Parkinson disease 20. Also called: PARKINSON DISEASE 20, AUTOSOMAL RECESSIVE EARLY-ONSET. Identifiers: Orphanet 391411, MedGen C3809824, MONDO:0014233, OMIM 615530.

Submission:

Labcorp Genetics (formerly Invitae), Labcorp
Classification: Uncertain significance for Developmental and epileptic encephalopathy, 53; Early-onset Parkinson disease 20. Last evaluated: 2025-01-12. Review status: criteria provided, single submitter. Criteria: Invitae Variant Classification Sherloc (09022015). Collection method: clinical testing. Allele origin: germline.
Comment: This sequence change replaces methionine, which is neutral and non-polar, with leucine, which is neutral and non-polar, at codon 754 of the SYNJ1 protein (p.Met754Leu). This variant is not present in population databases (gnomAD no frequency). This variant has not been reported in the literature in individuals affected with SYNJ1-related conditions. ClinVar contains an entry for this variant (Variation ID: 1495600). An algorithm developed to predict the effect of missense changes on protein structure and function (PolyPhen-2) suggests that this variant is likely to be disruptive. In summary, the available evidence is currently insufficient to determine the role of this variant in disease. Therefore, it has been classified as a Variant of Uncertain Significance.